The following is an entry in ClinVar:

NM_001130144.3(LTBP3):c.2356G>T (p.Val786Leu)

Gene: LTBP3 (latent transforming growth factor beta binding protein 3; minus strand). Cytogenetic location: 11q13.1.
Variant type: single nucleotide variant.
Coding change: c.2356G>T on transcript NM_001130144.3 (MANE Select); coding-DNA position 2356, G replaced by T.
Protein change: p.Val786Leu; replaces valine 786 with leucine.
Molecular consequence: missense variant.
Genome position (GRCh38, 1-based): chr11:65,543,547, C>A on the plus strand (G>T on the coding strand, the complement: LTBP3 is on the minus strand). VCF-style: chr11-65543547-C-A. GRCh37 (hg19) VCF-style: chr11-65311018-C-A.
Other names: c.2005G>T, p.Val669Leu (NM_001164266.1); c.2356G>T, p.Val786Leu (NM_021070.4); short protein forms V669L, V786L.
Identifiers: ClinVar variation 4804663 (VCV004804663.1).

ClinVar aggregate classification (germline): Uncertain significance (1 of 4 stars; one submission).

Conditions:
Brachyolmia-amelogenesis imperfecta syndrome. Also called: PLATYSPONDYLY WITH AMELOGENESIS IMPERFECTA; Tooth agenesis, selective, 6; Dental anomalies and short stature. Identifiers: Orphanet 2899, MedGen C1832594, MONDO:0011018, OMIM 601216. Disease mechanism: loss of function.

gnomAD v4.1: 3 of 1,614,092 alleles (0.00019%); highest among the groups gnomAD compares: South Asian, 0.0011%; no homozygotes.

Submission:

Labcorp Genetics (formerly Invitae), Labcorp
Classification: Uncertain significance for Brachyolmia-amelogenesis imperfecta syndrome. Last evaluated: 2025-10-29. Review status: criteria provided, single submitter. Criteria: Invitae Variant Classification Sherloc (09022015). Collection method: clinical testing. Allele origin: germline.
Comment: This sequence change replaces valine, which is neutral and non-polar, with leucine, which is neutral and non-polar, at codon 786 of the LTBP3 protein (p.Val786Leu). This variant is present in population databases (no rsID available, gnomAD 0.003%). This variant has not been reported in the literature in individuals affected with LTBP3-related conditions. An algorithm developed to predict the effect of missense changes on protein structure and function (PolyPhen-2) suggests that this variant is likely to be tolerated. In summary, the available evidence is currently insufficient to determine the role of this variant in disease. Therefore, it has been classified as a Variant of Uncertain Significance.